The following is an entry in ClinVar:

ClinVar aggregate classification (germline): Likely benign. Review status: criteria provided, single submitter (1 of 4 stars). 2 submissions from 2 submitters: Likely benign (1). 1 of the submissions does not count toward it. Last evaluated 2024-12-15.

Conditions:
SLX4-related disorder. Also called: SLX4-related condition.
Fanconi anemia (FA). Also called: Fanconi's anemia. Identifiers: Orphanet 84, MedGen C0015625, MeSH D005199, MONDO:0019391.

Allele frequency attached by ClinVar (database versions not stated): gnomAD exomes 0.00002 and 0.00004; gnomAD 0.00011; ExAC 0.00005; ESP Exome Variant Server 0.00008; TOPMed 0.00011.
gnomAD v4.1: 40 of 1,614,016 alleles (0.0025%); highest among the groups gnomAD compares: African/African-American, 0.039%; no homozygotes.

Submissions (2):

Labcorp Genetics (formerly Invitae), Labcorp
Classification: Likely benign for Fanconi anemia. Last evaluated: 2024-12-15. Review status: criteria provided, single submitter. Criteria: Invitae Variant Classification Sherloc (09022015). Collection method: clinical testing. Allele origin: germline.

PreventionGenetics, part of Exact Sciences
Classification: Likely benign for SLX4-related condition. Last evaluated: 2023-07-27. Review status: no assertion criteria provided. Collection method: clinical testing. Allele origin: germline. Not counted in ClinVar's aggregate classification.
Comment: This variant is classified as likely benign based on ACMG/AMP sequence variant interpretation guidelines (Richards et al. 2015 PMID: 25741868, with internal and published modifications).

NM_032444.4(SLX4):c.921C>T (p.Asn307=)

Gene: SLX4 (SLX4 structure-specific endonuclease subunit; minus strand). Cytogenetic location: 16p13.3.
Variant type: single nucleotide variant.
Coding change: c.921C>T on transcript NM_032444.4 (MANE Select); coding-DNA position 921, C replaced by T.
Protein change: p.Asn307=; no amino-acid change (asparagine 307 retained).
Molecular consequence: synonymous variant.
Genome position (GRCh38, 1-based): chr16:3,602,147, G>A on the plus strand (C>T on the coding strand, the complement: SLX4 is on the minus strand). VCF-style: chr16-3602147-G-A. GRCh37 (hg19) VCF-style: chr16-3652148-G-A.
Other names: c.921C>T (LRG_503t1, NM_032444.3).
Identifiers: ClinVar variation 414703 (VCV000414703.12), dbSNP rs370468973, ClinGen allele CA7866710.